The following is an entry in ClinVar:

NM_005529.7(HSPG2):c.7528G>A (p.Gly2510Ser)

Gene: HSPG2 (heparan sulfate proteoglycan 2; minus strand). Cytogenetic location: 1p36.12.
Variant type: single nucleotide variant.
Coding change: c.7528G>A on transcript NM_005529.7 (MANE Select); coding-DNA position 7528, G replaced by A.
Protein change: p.Gly2510Ser; replaces glycine 2510 with serine.
Molecular consequence: missense variant.
Genome position (GRCh38, 1-based): chr1:21,848,950, C>T on the plus strand (G>A on the coding strand, the complement: HSPG2 is on the minus strand). VCF-style: chr1-21848950-C-T. GRCh37 (hg19) VCF-style: chr1-22175443-C-T.
Other names: c.7531G>A, p.Gly2511Ser (NM_001291860.2); short protein forms G2510S, G2511S.
Identifiers: ClinVar variation 4804814 (VCV004804814.1).

ClinVar aggregate classification (germline): Uncertain significance (1 of 4 stars; one submission).

Submission:

Labcorp Genetics (formerly Invitae), Labcorp
Classification: Uncertain significance. Last evaluated: 2025-03-27. Review status: criteria provided, single submitter. Criteria: Invitae Variant Classification Sherloc (09022015). Collection method: clinical testing. Allele origin: germline.
Comment: This sequence change replaces glycine, which is neutral and non-polar, with serine, which is neutral and polar, at codon 2510 of the HSPG2 protein (p.Gly2510Ser). This variant is not present in population databases (gnomAD no frequency). This variant has not been reported in the literature in individuals affected with HSPG2-related conditions. An algorithm developed to predict the effect of missense changes on protein structure and function outputs the following: PolyPhen-2: "Benign". The serine amino acid residue is found in multiple mammalian species, which suggests that this missense change does not adversely affect protein function. In summary, the available evidence is currently insufficient to determine the role of this variant in disease. Therefore, it has been classified as a Variant of Uncertain Significance.